The following is an entry in ClinVar:

ClinVar aggregate classification (germline): Uncertain significance (1 of 4 stars; one submission).

Conditions:
Hypercholesterolemia, autosomal dominant, 3 (FHCL3). Also called: Familial Hypercholesterolemia, Autosomal Dominant, 3; PCSK9-Related Familial Hypercholesterolemia, Autosomal Dominant; Familial hypercholesterolemia 3. Identifiers: MedGen C1863551, MONDO:0011369, OMIM 603776.

Submission:

All of Us Research Program, National Institutes of Health
Classification: Uncertain significance for Hypercholesterolemia, autosomal dominant, 3. Last evaluated: 2023-06-28. Review status: criteria provided, single submitter. Criteria: ACMG Guidelines, 2015. Collection method: clinical testing. Allele origin: germline. Inheritance: Autosomal dominant inheritance. Observed: 1 variant allele, 1 heterozygote.
Comment: This study involves interpretation of variants in research participants for the purpose of population health screening. Participant phenotype was not available at the time of variant classification. Additional details can be found in publication PMID: 35346344, PMCID: PMC8962531

NM_174936.4(PCSK9):c.776G>A (p.Gly259Asp)

Gene: PCSK9 (proprotein convertase subtilisin/kexin type 9; plus strand). Cytogenetic location: 1p32.3.
Variant type: single nucleotide variant.
Coding change: c.776G>A on transcript NM_174936.4 (MANE Select); coding-DNA position 776, G replaced by A.
Protein change: p.Gly259Asp; replaces glycine 259 with aspartic acid.
Molecular consequence: missense variant. On other transcripts: non-coding transcript variant (8).
Genome position (GRCh38, 1-based): chr1:55,052,768, G>A. VCF-style: chr1-55052768-G-A. GRCh37 (hg19) VCF-style: chr1-55518441-G-A.
Other names: c.779G>A, p.Gly260Asp (NM_001407242.1); c.899G>A, p.Gly300Asp (NM_001407240.1); c.776G>A, p.Gly259Asp (NM_001407241.1, NM_001407244.1, NM_001407247.1); c.719G>A, p.Gly240Asp (NM_001407243.1); c.584G>A, p.Gly195Asp (NM_001407245.1); c.401G>A, p.Gly134Asp (NM_001407246.1); short protein forms G134D, G195D, G240D, G259D, G260D, G300D.
Identifiers: ClinVar variation 3072075 (VCV003072075.1), dbSNP rs2523228351, ClinGen allele CA340474190.